The following is an entry in ClinVar:

ClinVar aggregate classification (germline): other (0 of 4 stars; one submission).

Conditions:
Familial colorectal cancer. Identifiers: MedGen CN280943, MONDO:0023113. Disease mechanism: loss of function.

Submission:

Systems Biology Platform Zhejiang California International NanoSystems Institute
Classification: other for Familial colorectal cancer. Review status: no assertion criteria provided. Collection method: not provided. Allele origin: unknown.
ClinVar note: Converted during submission from cancer to other.

NM_001127511.3(APC):c.165+26904T>G

Gene: APC (APC regulator of Wnt signaling pathway; plus strand). Cytogenetic location: 5q22.2.
Variant type: single nucleotide variant.
Coding change: c.165+26904T>G on transcript NM_001127511.3; 26904 bases into the intron after coding-DNA position 165, T replaced by G.
Molecular consequence: intron variant.
Genome position (GRCh38, 1-based): chr5:112,734,786, T>G. VCF-style: chr5-112734786-T-G. GRCh37 (hg19) VCF-style: chr5-112070483-T-G.
Other names: c.-1053-20087T>G (NM_001407470.1, NM_001407472.1); c.-18-20087T>G (NM_001407447.1, NM_001354895.2, NM_001407456.1 and 7 more transcripts); c.165+26904T>G (NM_001407446.1, NM_001354897.2, NM_001354902.2); c.-43+27137T>G (NM_001407453.1).
Identifiers: ClinVar variation 82317 (VCV000082317.4), dbSNP rs78515301, ClinGen allele CA023596.